The following is an entry in ClinVar:

NM_001039591.3(USP9X):c.7431+9dup

Gene: USP9X (ubiquitin specific peptidase 9 X-linked; plus strand). Cytogenetic location: Xp11.4.
Variant type: Duplication.
Coding change: c.7431+9dup on transcript NM_001039591.3 (MANE Select); 9 bases into the intron after coding-DNA position 7431, one base duplicated (A; older notation c.7431+9dupA).
Molecular consequence: intron variant. On other transcripts: frameshift variant (1).
Genome position (GRCh38, 1-based): chrX:41,229,788, A duplicated; the last of 7 consecutive A bases (chrX:41,229,782-41,229,788); duplicating any one gives the same sequence. VCF-style (leftmost placement, unchanged base first): chrX-41229781-T-TA. GRCh37 (hg19) VCF-style: chrX-41089034-T-TA.
Other names: c.7440dupA (NM_001039590.2); c.7440dup, p.Ala2481fs (NM_001039590.3); short protein forms A2481fs.
Identifiers: ClinVar variation 423784 (VCV000423784.20), dbSNP rs774054468, ClinGen allele CA10389210.

ClinVar aggregate classification (germline): Uncertain significance. Review status: criteria provided, multiple submitters, no conflicts (2 of 4 stars). 8 submissions from 8 submitters: Uncertain significance (8). Last evaluated 2024-02-16.

Conditions:
USP9X-related disorder. Also called: USP9X-related condition.
Intellectual developmental disorder, X-linked 99, syndromic, female-restricted. Also called: Intellectual disability, X-linked 99, syndromic, female-restricted. Identifiers: MedGen C4225416, MONDO:0010502, OMIM 300968.
Intellectual developmental disorder, X-linked 99. Also called: Intellectual disability, X-linked 99. Identifiers: Orphanet 777, MedGen C3806746, MONDO:0010487, OMIM 300919.

Submissions (8):

Fulgent Genetics
Classification: Uncertain significance for Intellectual developmental disorder, X-linked 99; Intellectual developmental disorder, X-linked 99, syndromic, female-restricted. Last evaluated: 2024-02-16. Review status: criteria provided, single submitter. Criteria: ACMG Guidelines, 2015. Collection method: clinical testing. Allele origin: germline.

Labcorp Genetics (formerly Invitae), Labcorp
Classification: Uncertain significance. Last evaluated: 2023-10-18. Review status: criteria provided, single submitter. Criteria: Invitae Variant Classification Sherloc (09022015). Collection method: clinical testing. Allele origin: germline.
Comment: This sequence change creates a premature translational stop signal (p.Ala2481Serfs*17) in the USP9X gene. However, it is currently unclear if variants that occur in this region of the gene cause disease. The frequency data for this variant in the population databases is considered unreliable, as metrics indicate poor data quality at this position in the gnomAD database. This premature translational stop signal has been observed in 5 males with neurodevelopmental disorders (PMID: 31443933, Invitae). ClinVar contains an entry for this variant (Variation ID: 423784). In summary, the available evidence is currently insufficient to determine the role of this variant in disease. Therefore, it has been classified as a Variant of Uncertain Significance.

PreventionGenetics, part of Exact Sciences
Classification: Uncertain significance for USP9X-related condition. Last evaluated: 2022-11-19. Review status: criteria provided, single submitter. Criteria: ACMG Guidelines, 2015. Collection method: clinical testing. Allele origin: germline.
Comment: The USP9X c.7440dupA variant is predicted to result in a frameshift and premature protein termination (p.Ala2481Serfs*17). This variant has been previously reported as maternally inherited and a variant of uncertain significance in three individuals with neurodevelopmental disorder (Table S4, Johnson et al. 2020. PubMed ID: 31443933). This variant is reported in 0.013% of alleles in individuals of Ashkenazi Jewish descent in gnomAD, including four hemizygous alleles. At this time, the clinical significance of this variant is uncertain due to the absence of conclusive functional and genetic evidence.

Revvity Omics, Revvity
Classification: Uncertain significance. Last evaluated: 2022-09-14. Review status: criteria provided, single submitter. Criteria: ACMG Guidelines, 2015. Collection method: clinical testing. Allele origin: germline.

Mendelics
Classification: Uncertain significance. Last evaluated: 2022-05-04. Review status: criteria provided, single submitter. Criteria: Mendelics Assertion Criteria 2019. Collection method: clinical testing. Allele origin: germline.

GeneDx
Classification: Uncertain significance. Last evaluated: 2021-11-23. Review status: criteria provided, single submitter. Criteria: GeneDx Variant Classification Process June 2021. Collection method: clinical testing. Allele origin: germline. Affected: yes.
Comment: Identified as a maternally inherited variant in five hemizygous males with neurodevelopmental disorders from three unrelated families in the literature (Johnson et al., 2019), and in one family, the mother reportedly had seizures in childhood which resolved; Of the two isoforms of the USP9X gene, the long isoform is poorly expressed in male control fibroblasts compared to the short isoform, and this variant is located within exon 43 of the long isoform and within intron 43 of the short isoform (Johnson et al., 2019); Expression studies using patient-derived fibroblasts show that this variant causes loss of only the long isoform while overall levels of USP9X mRNA and protein remain similar to controls, suggesting USP9X mRNA and protein are still normally expressed from the short isoform (Johnson et al., 2019); however, further studies are needed to determine the clinical relevance of the long isoform and the role of differential isoform expression in gene function; Frameshift variant predicted to result in protein truncation or nonsense mediated decay for which loss-of-function in only the long isoform of the USP9X gene is not a known mechanism of disease; This variant is associated with the following publications: (PMID: 27770309, 31443933)

Baylor Genetics
Classification: Uncertain significance for Intellectual developmental disorder, X-linked 99. Last evaluated: 2018-04-30. Review status: criteria provided, single submitter. Criteria: ACMG Guidelines, 2015. Collection method: clinical testing. Allele origin: unknown. Affected: yes.
Comment: This variant was determined to be of uncertain significance according to ACMG Guidelines, 2015 [PMID:25741868].

Genetic Services Laboratory, University of Chicago
Classification: Uncertain significance. Last evaluated: 2016-06-03. Review status: criteria provided, single submitter. Criteria: ACMG Guidelines, 2015. Collection method: clinical testing. Allele origin: germline. Affected: no.

Literature cited by the submitters: PubMed 31443933 (cited by Labcorp Genetics (formerly Invitae), Labcorp).